The following is an entry in ClinVar:

NM_000152.5(GAA):c.460C>G (p.Arg154Gly)

Gene: GAA (alpha glucosidase; plus strand). Cytogenetic location: 17q25.3.
Variant type: single nucleotide variant.
Coding change: c.460C>G on transcript NM_000152.5 (MANE Select); coding-DNA position 460, C replaced by G.
Protein change: p.Arg154Gly; replaces arginine 154 with glycine.
Molecular consequence: missense variant.
Genome position (GRCh38, 1-based): chr17:80,105,046, C>G. VCF-style: chr17-80105046-C-G. GRCh37 (hg19) VCF-style: chr17-78078845-C-G.
Other names: c.460C>G, p.Arg154Gly (NM_001079803.3, NM_001079804.3, NM_001406741.1 and 1 more transcripts); short protein forms R154G.
Identifiers: ClinVar variation 4688380 (VCV004688380.1).
Genomic context (GRCh38, chr17:80,105,046, plus strand): 5'-CCCAGCTACAAGCTGGAGAACCTGAGCTCCTCTGAAATGGGCTACACGGCCACCCTGACC[C>G]GTACCACCCCCACCTTCTTCCCCAAGGACATCCTGACCCTGCGGCTGGACGTGATGATGG-3'
Protein context (NP_000143.2, residues 144-164): SEMGYTATLT[Arg154Gly]TTPTFFPKDI

ClinVar aggregate classification (germline): Uncertain significance (1 of 4 stars; one submission).

Submission:

Women's Health and Genetics/Laboratory Corporation of America, LabCorp
Classification: Uncertain significance. Last evaluated: 2025-12-11. Review status: criteria provided, single submitter. Criteria: LabCorp Variant Classification Summary - May 2015. Collection method: clinical testing. Allele origin: germline.
Comment: Variant summary: GAA c.460C>G (p.Arg154Gly) results in a non-conservative amino acid change in the encoded protein sequence. Algorithms developed to predict the effect of missense changes on protein structure and function all suggest that this variant is likely to be disruptive. The variant was absent in 245922 control chromosomes. The available data on variant occurrences in the general population are insufficient to allow any conclusion about variant significance. To our knowledge, no occurrence of c.460C>G in individuals affected with GAA-related conditions and no experimental evidence demonstrating its impact on protein function have been reported. No submitters have cited clinical-significance assessments for this variant to ClinVar. Based on the evidence outlined above, the variant was classified as uncertain significance.